The following is an entry in ClinVar:

NM_001035.3(RYR2):c.14809G>C (p.Glu4937Gln)

Gene: RYR2 (ryanodine receptor 2; plus strand). Cytogenetic location: 1q43.
Variant type: single nucleotide variant.
Coding change: c.14809G>C on transcript NM_001035.3 (MANE Select); coding-DNA position 14809, G replaced by C.
Protein change: p.Glu4937Gln; replaces glutamic acid 4937 with glutamine.
Molecular consequence: missense variant.
Genome position (GRCh38, 1-based): chr1:237,832,552, G>C. VCF-style: chr1-237832552-G-C. GRCh37 (hg19) VCF-style: chr1-237995852-G-C.
Other names: c.14809G>C (NM_001035.2); short protein forms E4937Q.
Identifiers: ClinVar variation 3724755 (VCV003724755.4).

ClinVar aggregate classification (germline): Uncertain significance. Review status: criteria provided, multiple submitters, no conflicts (2 of 4 stars). 2 submissions from 2 submitters: Uncertain significance (2). Last evaluated 2026-01-21.

Conditions:
Catecholaminergic polymorphic ventricular tachycardia 1. Also called: VENTRICULAR TACHYCARDIA, CATECHOLAMINERGIC POLYMORPHIC, 1, WITH OR WITHOUT ATRIAL DYSFUNCTION AND/OR DILATED CARDIOMYOPATHY; RYR2-Related Catecholaminergic Polymorphic Ventricular Tachycardia; VENTRICULAR TACHYCARDIA, STRESS-INDUCED POLYMORPHIC 1. Identifiers: Orphanet 3286, MedGen C1631597, MONDO:0011484, OMIM 604772.
Cardiovascular phenotype. Identifiers: MedGen CN230736.

Submissions (2):

Labcorp Genetics (formerly Invitae), Labcorp
Classification: Uncertain significance for Catecholaminergic polymorphic ventricular tachycardia 1. Last evaluated: 2026-01-21. Review status: criteria provided, single submitter. Criteria: Invitae Variant Classification Sherloc (09022015). Collection method: clinical testing. Allele origin: germline.
Comment: This sequence change replaces glutamic acid, which is acidic and polar, with glutamine, which is neutral and polar, at codon 4937 of the RYR2 protein (p.Glu4937Gln). This variant is not present in population databases (gnomAD no frequency). This variant has not been reported in the literature in individuals affected with RYR2-related conditions. ClinVar contains an entry for this variant (Variation ID: 3724755). An algorithm developed to predict the effect of missense changes on protein structure and function (PolyPhen-2) suggests that this variant is likely to be tolerated. Algorithms developed to predict the effect of sequence changes on RNA splicing suggest that this variant may disrupt the consensus splice site. In summary, the available evidence is currently insufficient to determine the role of this variant in disease. Therefore, it has been classified as a Variant of Uncertain Significance.

Ambry Genetics
Classification: Uncertain significance for Cardiovascular phenotype. Last evaluated: 2025-12-15. Review status: criteria provided, single submitter. Criteria: Ambry Variant Classification Scheme 2023. Collection method: clinical testing. Allele origin: germline.
Comment: The p.E4937Q variant (also known as c.14809G>C) is located in coding exon 105 of the RYR2 gene. The glutamic acid at codon 4937 is replaced by glutamine, an amino acid with highly similar properties. This change occurs in the first base pair of coding exon 105. This amino acid position is highly conserved in available vertebrate species. In addition, this alteration is predicted to be deleterious by in silico analysis. Based on the available evidence, the clinical significance of this variant remains unclear.